The following is an entry in ClinVar:

NM_024685.4(BBS10):c.331G>A (p.Glu111Lys)

Gene: BBS10 (Bardet-Biedl syndrome 10; minus strand). Cytogenetic location: 12q21.2.
Variant type: single nucleotide variant.
Coding change: c.331G>A on transcript NM_024685.4 (MANE Select); coding-DNA position 331, G replaced by A.
Protein change: p.Glu111Lys; replaces glutamic acid 111 with lysine.
Molecular consequence: missense variant.
Genome position (GRCh38, 1-based): chr12:76,347,654, C>T on the plus strand (G>A on the coding strand, the complement: BBS10 is on the minus strand). VCF-style: chr12-76347654-C-T. GRCh37 (hg19) VCF-style: chr12-76741434-C-T.
Other names: short protein forms E111K.
Identifiers: ClinVar variation 3356909 (VCV003356909.1).
Genomic context (GRCh38, chr12:76,347,654, plus strand): 5'-GGGAAATAAATTTCCACCGAGAACAATTTTTCCAATGCCTTCCATGGGTTTGAATGTTTT[C>T]ACACATCAAAGGATCCTTTTCTCTGTCTGTGATTGCATGAAGTCCTCTAAGCAAATGGCA-3'
Protein context (NP_078961.3, residues 101-121): TDREKDPLMC[Glu111Lys]NIQTHGRHWK

ClinVar aggregate classification (germline): Uncertain significance (0 of 4 stars; one submission).

Conditions:
BBS10-related disorder. Also called: BBS10-related condition.

Submission:

PreventionGenetics, part of Exact Sciences
Classification: Uncertain significance for BBS10-related condition. Last evaluated: 2024-06-04. Review status: no assertion criteria provided. Collection method: clinical testing. Allele origin: germline.
Comment: The BBS10 c.331G>A variant is predicted to result in the amino acid substitution p.Glu111Lys. To our knowledge, this variant has not been reported in the literature or in a large population database, indicating this variant is rare. At this time, the clinical significance of this variant is uncertain due to the absence of conclusive functional and genetic evidence.